The following is an entry in ClinVar:

NM_024649.5(BBS1):c.424del (p.Ala142fs)

Gene: BBS1 (Bardet-Biedl syndrome 1; plus strand). Cytogenetic location: 11q13.2.
Variant type: Deletion.
Coding change: c.424del on transcript NM_024649.5 (MANE Select); coding-DNA position 424, one base deleted (G; older notation c.424delG).
Protein change: p.Ala142fs; shifts the reading frame from alanine 142.
Molecular consequence: frameshift variant.
Genome position (GRCh38, 1-based): chr11:66,514,670, G deleted; the last of 2 consecutive G bases (chr11:66,514,669-66,514,670); deleting either gives the same sequence. VCF-style (leftmost placement, unchanged base first): chr11-66514668-AG-A. GRCh37 (hg19) VCF-style: chr11-66282139-AG-A.
Other names: c.424del (NM_024649.4); short protein forms A142fs.
Identifiers: ClinVar variation 3600107 (VCV003600107.3).
Genomic context (GRCh38, chr11:66,514,668, plus strand): 5'-ACTTCAAGTTCAGCCTGCCCCAATTGCCTCCAAATCCTCTGGAACAAGACCTTTGGAACC[AG>A]GCCAAAGAGGTAAATAAATAACATGGGAGTTGGGAACCAGAAGGCAAAGATGGCAGCCAC-3'

ClinVar aggregate classification (germline): Likely pathogenic. Review status: criteria provided, multiple submitters, no conflicts (2 of 4 stars). 2 submissions from 2 submitters: Likely pathogenic (2). Last evaluated 2025-02-11.

Conditions:
Bardet-Biedl syndrome 1 (BBS1). Identifiers: MedGen C2936862, MONDO:0008854, OMIM 209900. Disease mechanism: loss of function.

Submissions (2):

Natera, Inc.
Classification: Likely pathogenic for Bardet-Biedl syndrome type 1. Last evaluated: 2025-02-11. Review status: criteria provided, single submitter. Criteria: Natera Variant Classification Schema (03/2026). Collection method: clinical testing. Allele origin: germline.
Comment: The c.424del variant in BBS1 is a frameshift variant predicted to shift the reading frame beginning at codon 142 and leads to a stop codon 9 codons downstream. This variant is expected to result in nonsense mediated decay, truncation, or a dysfunctional protein product. This variant is rare in the general population with a frequency below the threshold expected for the associated phenotype(s). Given the available evidence, this variant is classified as Likely Pathogenic.

Fulgent Genetics
Classification: Likely pathogenic for Bardet-Biedl syndrome 1. Last evaluated: 2024-04-09. Review status: criteria provided, single submitter. Criteria: ACMG Guidelines, 2015. Collection method: clinical testing. Allele origin: germline.